The following is an entry in ClinVar:

NM_001007553.3(CSDE1):c.1856T>C (p.Ile619Thr)

Gene: CSDE1 (cold shock domain containing E1; minus strand). Cytogenetic location: 1p13.2.
Variant type: single nucleotide variant.
Coding change: c.1856T>C on transcript NM_001007553.3 (MANE Select); coding-DNA position 1856, T replaced by C.
Protein change: p.Ile619Thr; replaces isoleucine 619 with threonine.
Molecular consequence: missense variant.
Genome position (GRCh38, 1-based): chr1:114,723,900, A>G on the plus strand (T>C on the coding strand, the complement: CSDE1 is on the minus strand). VCF-style: chr1-114723900-A-G. GRCh37 (hg19) VCF-style: chr1-115266521-A-G.
Other names: c.1901T>C, p.Ile634Thr (NM_001130523.3); c.1994T>C, p.Ile665Thr (NM_001242891.2); c.1856T>C, p.Ile619Thr (NM_001242892.2); c.1763T>C, p.Ile588Thr (NM_001242893.2, NM_007158.6); short protein forms I588T, I619T, I634T, I665T.
Identifiers: ClinVar variation 3365717 (VCV003365717.1).

ClinVar aggregate classification (germline): Uncertain significance (1 of 4 stars; one submission).

Submission:

GeneDx
Classification: Uncertain significance. Last evaluated: 2023-12-13. Review status: criteria provided, single submitter. Criteria: GeneDx Variant Classification Process June 2021. Collection method: clinical testing. Allele origin: germline. Affected: yes.
Comment: Not observed at significant frequency in large population cohorts (gnomAD); In silico analysis supports that this missense variant has a deleterious effect on protein structure/function; Has not been previously published as pathogenic or benign to our knowledge